The following is an entry in ClinVar:

NM_001079802.2(FKTN):c.316G>T (p.Val106Phe)

Gene: FKTN (fukutin; plus strand). Cytogenetic location: 9q31.2.
Variant type: single nucleotide variant.
Coding change: c.316G>T on transcript NM_001079802.2 (MANE Select); coding-DNA position 316, G replaced by T.
Protein change: p.Val106Phe; replaces valine 106 with phenylalanine.
Molecular consequence: missense variant. On other transcripts: 5 prime UTR variant (4), non-coding transcript variant (2).
Genome position (GRCh38, 1-based): chr9:105,601,295, G>T. VCF-style: chr9-105601295-G-T. GRCh37 (hg19) VCF-style: chr9-108363576-G-T.
Other names: c.316G>T, p.Val106Phe (NM_001198963.2, NM_001351496.2, NM_001351498.2 and 1 more transcripts); c.247G>T, p.Val83Phe (NM_001351497.2); c.-199G>T (NM_001351499.2, NM_001351500.2, NM_001351501.2 and 1 more transcripts); short protein forms V106F, V83F.
Identifiers: ClinVar variation 2195252 (VCV002195252.3), dbSNP rs747694613, ClinGen allele CA5170369.

ClinVar aggregate classification (germline): Uncertain significance. Review status: criteria provided, multiple submitters, no conflicts (2 of 4 stars). 2 submissions from 2 submitters: Uncertain significance (2). Last evaluated 2025-06-20.

Conditions:
Cardiovascular phenotype. Identifiers: MedGen CN230736.
Walker-Warburg congenital muscular dystrophy. Also called: Muscular dystrophy-dystroglycanopathy, type A; Walker-Warburg syndrome. Identifiers: Orphanet 899, MedGen C0265221, MONDO:0000171.

Allele frequency attached by ClinVar (database versions not stated): gnomAD exomes below 0.00001; ExAC 0.00001.
gnomAD v4.1: 2 of 1,612,530 alleles (0.00012%); highest among the groups gnomAD compares: Non-Finnish European, 0.00017%; no homozygotes.

Submissions (2):

Labcorp Genetics (formerly Invitae), Labcorp
Classification: Uncertain significance for Walker-Warburg congenital muscular dystrophy. Last evaluated: 2025-06-20. Review status: criteria provided, single submitter. Criteria: Invitae Variant Classification Sherloc (09022015). Collection method: clinical testing. Allele origin: germline.
Comment: This sequence change replaces valine, which is neutral and non-polar, with phenylalanine, which is neutral and non-polar, at codon 106 of the FKTN protein (p.Val106Phe). The frequency data for this variant in the population databases is considered unreliable, as metrics indicate poor data quality at this position in the gnomAD database. This variant has not been reported in the literature in individuals affected with FKTN-related conditions. ClinVar contains an entry for this variant (Variation ID: 2195252). Invitae Evidence Modeling of protein sequence and biophysical properties (such as structural, functional, and spatial information, amino acid conservation, physicochemical variation, residue mobility, and thermodynamic stability) indicates that this missense variant is not expected to disrupt FKTN protein function with a negative predictive value of 95%. In summary, the available evidence is currently insufficient to determine the role of this variant in disease. Therefore, it has been classified as a Variant of Uncertain Significance.

Ambry Genetics
Classification: Uncertain significance for Cardiovascular phenotype. Last evaluated: 2025-04-07. Review status: criteria provided, single submitter. Criteria: Ambry Variant Classification Scheme 2023. Collection method: clinical testing. Allele origin: germline.
Comment: The p.V106F variant (also known as c.316G>T), located in coding exon 3 of the FKTN gene, results from a G to T substitution at nucleotide position 316. The valine at codon 106 is replaced by phenylalanine, an amino acid with highly similar properties. This amino acid position is conserved. In addition, the in silico prediction for this alteration is inconclusive. Based on the available evidence, the clinical significance of this variant remains unclear.